The following is an entry in ClinVar:

ClinVar aggregate classification (germline): Pathogenic. Review status: criteria provided, single submitter (1 of 4 stars). 2 submissions from 2 submitters: Pathogenic (1). 1 of the submissions does not count toward it. Last evaluated 2022-09-27.

Conditions:
Retinitis pigmentosa 73 (RP73). Identifiers: Orphanet 791, MedGen C4225287, MONDO:0014687, OMIM 616544.
Mucopolysaccharidosis, MPS-III-C (MPS3C). Also called: SANFILIPPO SYNDROME C; MPS III C; Mucopolysaccharidosis type IIIC (Sanfilippo C); MUCOPOLYSACCHARIDOSIS, TYPE IIIC; mucopolysaccharidosis type 3C; MPS IIIC (Sanfilippo Syndrome Type C). Identifiers: Orphanet 581, Orphanet 79271, MedGen C0086649, MONDO:0009657, OMIM 252930.
Retinal dystrophy. Also called: Inherited retinal dystrophy. Identifiers: Orphanet 71862, MedGen C0854723, MeSH D058499, MONDO:0019118, HP:0000556.

Allele frequency attached by ClinVar (database versions not stated): gnomAD exomes below 0.00001.
gnomAD v4.1: 1 of 1,580,798 alleles (0.000063%); highest among the groups gnomAD compares: South Asian, 0.0012%; no homozygotes.

Submissions (2):

Labcorp Genetics (formerly Invitae), Labcorp
Classification: Pathogenic for Retinitis pigmentosa 73; Mucopolysaccharidosis, MPS-III-C. Last evaluated: 2022-09-27. Review status: criteria provided, single submitter. Criteria: Invitae Variant Classification Sherloc (09022015). Collection method: clinical testing. Allele origin: germline.
Comment: This variant is not present in population databases (gnomAD no frequency). This sequence change creates a premature translational stop signal (p.Cys323*) in the HGSNAT gene. It is expected to result in an absent or disrupted protein product. Loss-of-function variants in HGSNAT are known to be pathogenic (PMID: 17033958, 19479962). For these reasons, this variant has been classified as Pathogenic. This variant has not been reported in the literature in individuals affected with HGSNAT-related conditions.

Institute of Human Genetics, Univ. Regensburg, Univ. Regensburg
Classification: Pathogenic for Retinal dystrophy. Last evaluated: 2023-01-01. Review status: no assertion criteria provided. Criteria: ACMG Guidelines, 2015. Collection method: clinical testing. Allele origin: germline. Affected: yes. Not counted in ClinVar's aggregate classification.

Literature cited by the submitters: PubMed 17033958 (cited by Labcorp Genetics (formerly Invitae), Labcorp); PubMed 19479962 (cited by Labcorp Genetics (formerly Invitae), Labcorp).

NM_152419.3(HGSNAT):c.969C>A (p.Cys323Ter)

Gene: HGSNAT (heparan-alpha-glucosaminide N-acetyltransferase; plus strand). Cytogenetic location: 8p11.21.
Variant type: single nucleotide variant.
Coding change: c.969C>A on transcript NM_152419.3 (MANE Select); coding-DNA position 969, C replaced by A.
Protein change: p.Cys323Ter; replaces cysteine 323 with a stop codon.
Molecular consequence: nonsense. On other transcripts: intron variant (1).
Genome position (GRCh38, 1-based): chr8:43,178,191, C>A. VCF-style: chr8-43178191-C-A. GRCh37 (hg19) VCF-style: chr8-43033334-C-A.
Other names: c.969C>A, p.Cys323Ter (NM_001363227.2); c.105C>A, p.Cys35Ter (NM_001363229.2); c.821-3954C>A (NM_001363228.2); short protein forms C323*, C35*.
Identifiers: ClinVar variation 2020759 (VCV002020759.5), dbSNP rs2487003212, ClinGen allele CA371117323.